The following is an entry in ClinVar:

ClinVar aggregate classification (germline): Uncertain significance (1 of 4 stars; one submission).

Conditions:
MEGF10-related myopathy (CMYO10A). Also called: Congenital myopathy 10A, severe variant. Identifiers: Orphanet 439212, MedGen C3280679, MONDO:0013731, OMIM 614399.

Allele frequency attached by ClinVar (database versions not stated): TOPMed below 0.00001; gnomAD 0.00001.
gnomAD v4.1: 1 of 1,608,494 alleles (0.000062%); highest among the groups gnomAD compares: Admixed American, 0.0017%; no homozygotes.

Submission:

Labcorp Genetics (formerly Invitae), Labcorp
Classification: Uncertain significance for MEGF10-related myopathy. Last evaluated: 2022-02-08. Review status: criteria provided, single submitter. Criteria: Invitae Variant Classification Sherloc (09022015). Collection method: clinical testing. Allele origin: germline.
Comment: This variant is not present in population databases (gnomAD no frequency). This sequence change replaces glycine, which is neutral and non-polar, with arginine, which is basic and polar, at codon 997 of the MEGF10 protein (p.Gly997Arg). This variant has not been reported in the literature in individuals affected with MEGF10-related conditions. Algorithms developed to predict the effect of missense changes on protein structure and function are either unavailable or do not agree on the potential impact of this missense change (SIFT: "Deleterious"; PolyPhen-2: "Possibly Damaging"; Align-GVGD: "Class C15"). Algorithms developed to predict the effect of sequence changes on RNA splicing suggest that this variant may create or strengthen a splice site. In summary, the available evidence is currently insufficient to determine the role of this variant in disease. Therefore, it has been classified as a Variant of Uncertain Significance.

NM_001256545.2(MEGF10):c.2989G>A (p.Gly997Arg)

Gene: MEGF10 (multiple EGF like domains 10; plus strand). Cytogenetic location: 5q23.2.
Variant type: single nucleotide variant.
Coding change: c.2989G>A on transcript NM_001256545.2 (MANE Select); coding-DNA position 2989, G replaced by A.
Protein change: p.Gly997Arg; replaces glycine 997 with arginine.
Molecular consequence: missense variant.
Genome position (GRCh38, 1-based): chr5:127,454,574, G>A. VCF-style: chr5-127454574-G-A. GRCh37 (hg19) VCF-style: chr5-126790266-G-A.
Other names: c.2989G>A, p.Gly997Arg (NM_032446.3); short protein forms G997R.
Identifiers: ClinVar variation 1489821 (VCV001489821.8), dbSNP rs1766283187, ClinGen allele CA360715278.
Genomic context (GRCh38, chr5:127,454,574, plus strand): 5'-TTTTTCTTCCTTTCAGTTCTCACTGGGTGTTTTTTTTCTTCCTTTATTACAGGTGCTTTT[G>A]GACTTGACAGAAGCTATATGGGAAAATCCTTAAAAGGTATCATGTAAATTTGAAGAAGAA-3'
Protein context (NP_001243474.1, residues 987-1007): GGYLNELGAF[Gly997Arg]LDRSYMGKSL